The following is an entry in ClinVar:

ClinVar aggregate classification (germline): Likely pathogenic (1 of 4 stars; one submission).

Conditions:
Abetalipoproteinaemia (ABL). Also called: Abetalipoproteinemia; Abetalipoproteinemia neuropathy; Apolipoprotein B deficiency; Congenital betalipoprotein deficiency syndrome; MTP DEFICIENCY. Identifiers: Orphanet 14, MedGen C0000744, MONDO:0008692, OMIM 200100, HP:0008181.

Submission:

Myriad Genetics, Inc.
Classification: Likely pathogenic for Abetalipoproteinaemia. Last evaluated: 2022-03-06. Review status: criteria provided, single submitter. Criteria: Myriad Women's Health Autosomal Recessive and X-Linked Classification Criteria (2021). Collection method: clinical testing. Allele origin: unknown.
Comment: NM_000253.2(MTTP):c.2097_2098delTC(Q700Afs*12) is expected to be pathogenic in the context of abetalipoproteinemia. This variant is predicted to lead to an abnormal or absent protein product due to the creation of a premature termination codon in MTTP, a gene where loss-of-function variants are known to be pathogenic. Please note: this variant was assessed in the context of healthy population screening.

NM_001386140.1(MTTP):c.2097_2098del (p.Gln700fs)

Gene: MTTP (microsomal triglyceride transfer protein; plus strand). Cytogenetic location: 4q23.
Variant type: Deletion.
Coding change: c.2097_2098del on transcript NM_001386140.1 (MANE Select); coding-DNA positions 2097 to 2098, 2 bases deleted (TC; older notation c.2097_2098delTC).
Protein change: p.Gln700fs; shifts the reading frame from glutamine 700.
Molecular consequence: frameshift variant.
Genome position (GRCh38, 1-based): chr4:99,613,020-99,613,021, TC deleted. VCF-style (leftmost placement, unchanged base first): chr4-99613019-TTC-T. GRCh37 (hg19) VCF-style: chr4-100534176-TTC-T.
Other names: c.2097_2098del, p.Gln700fs (NM_000253.4); c.1848_1849del, p.Gln617fs (NM_001300785.2); short protein forms Q617fs, Q700fs.
Identifiers: ClinVar variation 1725048 (VCV001725048.2), dbSNP rs2476149238, ClinGen allele CA2580071924.
Genomic context (GRCh38, chr4:99,613,019, plus strand): 5'-CTGACGAGGGGGAGGAGAACCTTGACTCCTATGCTGGTATGTCAGCCATCCTCTTTGATG[TTC>T]AGCTCAGACCTGTCACCTTTTTCAACGGATACAGTGATTTGATGTCCAAAATGCTGTCAG-3'